The following is an entry in ClinVar:

ClinVar aggregate classification (germline): Uncertain significance (1 of 4 stars; one submission).

Conditions:
SH2B1-related disorder. Also called: SH2B1-related condition.

Submission:

PreventionGenetics, part of Exact Sciences
Classification: Uncertain significance for SH2B1-related condition. Last evaluated: 2026-09-01. Review status: criteria provided, single submitter. Criteria: ACMG Guidelines, 2015. Collection method: clinical testing. Allele origin: germline.
Comment: The SH2B1 c.1905G>C variant is predicted to result in the amino acid substitution p.Gln635His. To our knowledge, this variant has not been reported in the literature or in a large population database (gnomAD), indicating this variant is rare. At this time, the clinical significance of this variant is uncertain due to the absence of conclusive functional and genetic evidence.

NM_001387430.1(SH2B1):c.1897+8G>C

Gene: SH2B1 (SH2B adaptor protein 1; plus strand). Cytogenetic location: 16p11.2.
Variant type: single nucleotide variant.
Coding change: c.1897+8G>C on transcript NM_001387430.1 (MANE Select); 8 bases into the intron after coding-DNA position 1897, G replaced by C.
Molecular consequence: intron variant. On other transcripts: missense variant (1).
Genome position (GRCh38, 1-based): chr16:28,872,713, G>C. VCF-style: chr16-28872713-G-C. GRCh37 (hg19) VCF-style: chr16-28884034-G-C.
Other names: c.1905G>C, p.Gln635His (NM_001145797.2); c.1897+8G>C (NM_001308293.2, NM_001387404.1, NM_015503.3 and 3 more transcripts); c.889+8G>C (NM_001308294.2); short protein forms Q635H.
Identifiers: ClinVar variation 4992774 (VCV004992774.1).